The following is an entry in ClinVar:

ClinVar aggregate classification (germline): Likely benign (1 of 4 stars; one submission).

Allele frequency attached by ClinVar (database versions not stated): TOPMed 0.00003; gnomAD 0.00005.
gnomAD v4.1: 59 of 1,198,231 alleles (0.0049%); highest among the groups gnomAD compares: Non-Finnish European, 0.0054%; no homozygotes.

Submission:

Laboratorio de Genetica e Diagnostico Molecular, Hospital Israelita Albert Einstein
Classification: Likely benign. Last evaluated: 2021-10-14. Review status: criteria provided, single submitter. Criteria: ACMG Guidelines, 2015. Collection method: clinical testing. Allele origin: germline. Affected: yes.
Comment: ACMG classification criteria: BS2, BP4

NM_001379451.1(BCORL1):c.3430C>T (p.His1144Tyr)

Gene: BCORL1 (BCL6 corepressor like 1; plus strand). Cytogenetic location: Xq26.1.
Variant type: single nucleotide variant.
Coding change: c.3430C>T on transcript NM_001379451.1 (MANE Select); coding-DNA position 3430, C replaced by T.
Protein change: p.His1144Tyr; replaces histidine 1144 with tyrosine.
Molecular consequence: missense variant.
Genome position (GRCh38, 1-based): chrX:130,016,202, C>T. VCF-style: chrX-130016202-C-T. GRCh37 (hg19) VCF-style: chrX-129150178-C-T.
Other names: c.3430C>T, p.His1144Tyr (NM_001184772.3, NM_001379450.1, NM_021946.5); short protein forms H1144Y.
Identifiers: ClinVar variation 1690462 (VCV001690462.2), dbSNP rs774848773, ClinGen allele CA335103537.
Genomic context (GRCh38, chrX:130,016,202, plus strand): 5'-GAGAAGGACAGTGAAGAGCAGCAGCTCCAGCCACAAGCCAAGGCCGTGGTCCGGAGTTCC[C>T]ACAGACCCAAGGTGAGTGCTGAGCTAAGGTCCAGGGTGGGGCCGAGATGCCGCTGGTCTA-3'
Protein context (NP_001366380.1, residues 1134-1154): PQAKAVVRSS[His1144Tyr]RPKCRKLPSD